The following is an entry in ClinVar:

ClinVar aggregate classification (germline): Uncertain significance (1 of 4 stars; one submission).

Conditions:
Neonatal-onset encephalopathy with rigidity and seizures. Also called: Lethal neonatal spasticity-epileptic encephalopathy syndrome. Identifiers: Orphanet 435845, MedGen C3281029, MONDO:0013784, OMIM 614498.

Allele frequency attached by ClinVar (database versions not stated): gnomAD exomes below 0.00001; gnomAD 0.00001; TOPMed 0.00001.
gnomAD v4.1: 4 of 1,588,062 alleles (0.00025%); highest among the groups gnomAD compares: Non-Finnish European, 0.00034%; no homozygotes.

Submission:

Labcorp Genetics (formerly Invitae), Labcorp
Classification: Uncertain significance for Neonatal-onset encephalopathy with rigidity and seizures. Last evaluated: 2022-07-26. Review status: criteria provided, single submitter. Criteria: Invitae Variant Classification Sherloc (09022015). Collection method: clinical testing. Allele origin: germline.
Comment: This sequence change falls in intron 11 of the BRAT1 gene. It does not directly change the encoded amino acid sequence of the BRAT1 protein. It affects a nucleotide within the consensus splice site. This variant is not present in population databases (gnomAD no frequency). This variant has not been reported in the literature in individuals affected with BRAT1-related conditions. ClinVar contains an entry for this variant (Variation ID: 1390625). Variants that disrupt the consensus splice site are a relatively common cause of aberrant splicing (PMID: 17576681, 9536098). Algorithms developed to predict the effect of sequence changes on RNA splicing suggest that this variant may disrupt the consensus splice site. In summary, the available evidence is currently insufficient to determine the role of this variant in disease. Therefore, it has been classified as a Variant of Uncertain Significance.

Literature cited by the submitters: PubMed 17576681; PubMed 9536098.

NM_152743.4(BRAT1):c.1499-3T>G

Gene: BRAT1 (BRCA1 associated ATM activator 1; minus strand). Cytogenetic location: 7p22.3.
Variant type: single nucleotide variant.
Coding change: c.1499-3T>G on transcript NM_152743.4 (MANE Select); 3 bases into the intron before coding-DNA position 1499, T replaced by G.
Molecular consequence: intron variant.
Genome position (GRCh38, 1-based): chr7:2,539,645, A>C on the plus strand (T>G on the coding strand, the complement: BRAT1 is on the minus strand). VCF-style: chr7-2539645-A-C. GRCh37 (hg19) VCF-style: chr7-2579279-A-C.
Other names: c.974-3T>G (NM_001350627.2); c.1499-3T>G (NM_001350626.2).
Identifiers: ClinVar variation 1390625 (VCV001390625.3), dbSNP rs1474969050, ClinGen allele CA837025161.